The following is an entry in ClinVar:

ClinVar aggregate classification (germline): Uncertain significance (1 of 4 stars; one submission).

Allele frequency attached by ClinVar (database versions not stated): gnomAD exomes below 0.00001.
gnomAD v4.1: 1 of 1,612,204 alleles (0.000062%); highest among the groups gnomAD compares: Non-Finnish European, 0.000085%; no homozygotes.

Submission:

GeneDx
Classification: Uncertain significance. Last evaluated: 2019-10-17. Review status: criteria provided, single submitter. Criteria: GeneDx Variant Classification Process June 2021. Collection method: clinical testing. Allele origin: germline. Affected: yes.
Comment: Not observed in large population cohorts (Lek et al., 2016); In silico analysis, which includes protein predictors and evolutionary conservation, supports a deleterious effect; Has not been previously published as pathogenic or benign to our knowledge

NM_000426.4(LAMA2):c.7139T>G (p.Leu2380Arg)

Gene: LAMA2 (laminin subunit alpha 2; plus strand). Cytogenetic location: 6q22.33.
Variant type: single nucleotide variant.
Coding change: c.7139T>G on transcript NM_000426.4 (MANE Select); coding-DNA position 7139, T replaced by G.
Protein change: p.Leu2380Arg; replaces leucine 2380 with arginine.
Molecular consequence: missense variant.
Genome position (GRCh38, 1-based): chr6:129,464,436, T>G. VCF-style: chr6-129464436-T-G. GRCh37 (hg19) VCF-style: chr6-129785581-T-G.
Other names: c.7139T>G, p.Leu2380Arg (NM_001079823.2); short protein forms L2380R.
Identifiers: ClinVar variation 1309186 (VCV001309186.2), dbSNP rs758211853, ClinGen allele CA146891511.
Genomic context (GRCh38, chr6:129,464,436, plus strand): 5'-ACATCTCCACTGTCATGTTCAAGTTCAGAACATTTTCTTCGAGTGCTCTTCTGATGTATC[T>G]TGCCACACGAGACCTGGTAAAGATCATATGCATAGCAGAGTTTCCGTGACTAAAATGCGT-3'
Protein context (NP_000417.3, residues 2370-2390): TFSSSALLMY[Leu2380Arg]ATRDLRDFMS